The following is an entry in ClinVar:

ClinVar aggregate classification (germline): Uncertain significance (1 of 4 stars; one submission).

Conditions:
Hereditary cancer-predisposing syndrome. Also called: Tumor predisposition; Hereditary neoplastic syndrome; Neoplastic Syndromes, Hereditary; Hereditary Cancer Syndrome. Identifiers: Orphanet 140162, MedGen C0027672, MeSH D009386, MONDO:0015356.

Submission:

Ambry Genetics
Classification: Uncertain significance for Hereditary cancer-predisposing syndrome. Last evaluated: 2026-09-09. Review status: criteria provided, single submitter. Criteria: Ambry Variant Classification Scheme 2023. Collection method: clinical testing. Allele origin: germline.
Comment: The p.Y131C variant (also known as c.392A>G), located in coding exon 3 of the STK11 gene, results from an A to G substitution at nucleotide position 392. The tyrosine at codon 131 is replaced by cysteine, an amino acid with highly dissimilar properties. This amino acid position is highly conserved in available vertebrate species. In addition, this alteration is predicted to be deleterious by in silico analysis. Based on the available evidence, the clinical significance of this variant remains unclear.

NM_000455.5(STK11):c.392A>G (p.Tyr131Cys)

Gene: STK11 (serine/threonine kinase 11; plus strand). Cytogenetic location: 19p13.3.
Variant type: single nucleotide variant.
Coding change: c.392A>G on transcript NM_000455.5 (MANE Select); coding-DNA position 392, A replaced by G.
Protein change: p.Tyr131Cys; replaces tyrosine 131 with cysteine.
Molecular consequence: missense variant.
Genome position (GRCh38, 1-based): chr19:1,219,341, A>G. VCF-style: chr19-1219341-A-G. GRCh37 (hg19) VCF-style: chr19-1219340-A-G.
Other names: short protein forms Y131C.
Identifiers: ClinVar variation 824394 (VCV000824394.5), dbSNP rs1599925307, ClinGen allele CA402948145.